The following is an entry in ClinVar:

NM_025179.4(PLXNA2):c.4199A>T (p.Tyr1400Phe)

Gene: PLXNA2 (plexin A2; minus strand). Cytogenetic location: 1q32.2.
Variant type: single nucleotide variant.
Coding change: c.4199A>T on transcript NM_025179.4 (MANE Select); coding-DNA position 4199, A replaced by T.
Protein change: p.Tyr1400Phe; replaces tyrosine 1400 with phenylalanine.
Molecular consequence: missense variant.
Genome position (GRCh38, 1-based): chr1:208,042,185, T>A on the plus strand (A>T on the coding strand, the complement: PLXNA2 is on the minus strand). VCF-style: chr1-208042185-T-A. GRCh37 (hg19) VCF-style: chr1-208215530-T-A.
Other names: c.4199A>T (NM_025179.3); short protein forms Y1400F.
Identifiers: ClinVar variation 1520079 (VCV001520079.8), dbSNP rs564487452, ClinGen allele CA1372945.

ClinVar aggregate classification (germline): Uncertain significance. Review status: criteria provided, single submitter (1 of 4 stars). 2 submissions from 2 submitters: Uncertain significance (1). 1 of the submissions does not count toward it. Last evaluated 2026-01-26.

Conditions:
PLXNA2-related disorder. Also called: PLXNA2-related condition.

Allele frequency attached by ClinVar (database versions not stated): gnomAD exomes 0.00001 and 0.00002; ExAC 0.00002; gnomAD 0.00002; TOPMed 0.00002; 1000 Genomes Project 30x 0.00016; 1000 Genomes Project 0.00020.
gnomAD v4.1: 15 of 1,614,216 alleles (0.00093%); highest among the groups gnomAD compares: Admixed American, 0.0083%; no homozygotes.

Submissions (2):

Labcorp Genetics (formerly Invitae), Labcorp
Classification: Uncertain significance. Last evaluated: 2026-01-26. Review status: criteria provided, single submitter. Criteria: Invitae Variant Classification Sherloc (09022015). Collection method: clinical testing. Allele origin: germline.
Comment: This sequence change replaces tyrosine, which is neutral and polar, with phenylalanine, which is neutral and non-polar, at codon 1400 of the PLXNA2 protein (p.Tyr1400Phe). This variant is present in population databases (rs564487452, gnomAD 0.03%). This variant has not been reported in the literature in individuals affected with PLXNA2-related conditions. ClinVar contains an entry for this variant (Variation ID: 1520079). Invitae Evidence Modeling of protein sequence and biophysical properties (such as structural, functional, and spatial information, amino acid conservation, physicochemical variation, residue mobility, and thermodynamic stability) indicates that this missense variant is not expected to disrupt PLXNA2 protein function with a negative predictive value of 80%. In summary, the available evidence is currently insufficient to determine the role of this variant in disease. Therefore, it has been classified as a Variant of Uncertain Significance.

PreventionGenetics, part of Exact Sciences
Classification: Uncertain significance for PLXNA2-related condition. Last evaluated: 2023-12-13. Review status: no assertion criteria provided. Collection method: clinical testing. Allele origin: germline. Not counted in ClinVar's aggregate classification.
Comment: The PLXNA2 c.4199A>T variant is predicted to result in the amino acid substitution p.Tyr1400Phe. To our knowledge, this variant has not been reported in the literature. This variant is reported in 0.030% of alleles in individuals of Ashkenazi Jewish descent in gnomAD. At this time, the clinical significance of this variant is uncertain due to the absence of conclusive functional and genetic evidence.